The following is an entry in ClinVar:

ClinVar aggregate classification (germline): Uncertain significance (1 of 4 stars; one submission).

Conditions:
Catecholaminergic polymorphic ventricular tachycardia 1. Also called: RYR2-Related Catecholaminergic Polymorphic Ventricular Tachycardia; VENTRICULAR TACHYCARDIA, STRESS-INDUCED POLYMORPHIC 1; VENTRICULAR TACHYCARDIA, CATECHOLAMINERGIC POLYMORPHIC, 1, WITH OR WITHOUT ATRIAL DYSFUNCTION AND/OR DILATED CARDIOMYOPATHY. Identifiers: Orphanet 3286, MedGen C1631597, MONDO:0011484, OMIM 604772.

Submission:

Labcorp Genetics (formerly Invitae), Labcorp
Classification: Uncertain significance for Catecholaminergic polymorphic ventricular tachycardia 1. Last evaluated: 2022-09-23. Review status: criteria provided, single submitter. Criteria: Invitae Variant Classification Sherloc (09022015). Collection method: clinical testing. Allele origin: germline.
Comment: In summary, the available evidence is currently insufficient to determine the role of this variant in disease. Therefore, it has been classified as a Variant of Uncertain Significance. Algorithms developed to predict the effect of sequence changes on RNA splicing suggest that this variant may disrupt the consensus splice site. Disruption of this splice site has been observed in individual(s) with hypertrophic cardiomyopathy (PMID: 26573135). This variant is not present in population databases (gnomAD no frequency). This sequence change affects an acceptor splice site in intron 52 of the RYR2 gene. It is expected to disrupt RNA splicing. Variants that disrupt the donor or acceptor splice site typically lead to a loss of protein function (PMID: 16199547), however the current clinical and genetic evidence is not sufficient to establish whether loss-of-function variants in RYR2 cause disease.

Literature cited by the submitters: PubMed 26573135; PubMed 16199547.

NM_001035.3(RYR2):c.7966-2A>G

Gene: RYR2 (ryanodine receptor 2; plus strand). Cytogenetic location: 1q43.
Variant type: single nucleotide variant.
Coding change: c.7966-2A>G on transcript NM_001035.3 (MANE Select); the canonical splice acceptor site of the intron before coding-DNA position 7966, A replaced by G.
Molecular consequence: splice acceptor variant.
Genome position (GRCh38, 1-based): chr1:237,655,819, A>G. VCF-style: chr1-237655819-A-G. GRCh37 (hg19) VCF-style: chr1-237819119-A-G.
Identifiers: ClinVar variation 2032049 (VCV002032049.4), dbSNP rs2547082405, ClinGen allele CA345400654.